The following is an entry in ClinVar:

ClinVar aggregate classification (germline): Likely benign (0 of 4 stars; one submission).

Conditions:
DROSHA-related disorder. Also called: DROSHA-related condition.

Allele frequency attached by ClinVar (database versions not stated): ExAC 0.00001.
gnomAD v4.1: 3 of 1,608,852 alleles (0.00019%); highest among the groups gnomAD compares: Admixed American, 0.0051%; no homozygotes.

Submission:

PreventionGenetics, part of Exact Sciences
Classification: Likely benign for DROSHA-related condition. Last evaluated: 2022-10-18. Review status: no assertion criteria provided. Collection method: clinical testing. Allele origin: germline.
Comment: This variant is classified as likely benign based on ACMG/AMP sequence variant interpretation guidelines (Richards et al. 2015 PMID: 25741868, with internal and published modifications).

NM_001382508.1(DROSHA):c.1062C>T (p.Arg354=)

Gene: DROSHA (drosha ribonuclease III; minus strand). Cytogenetic location: 5p13.3.
Variant type: single nucleotide variant.
Coding change: c.1062C>T on transcript NM_001382508.1 (MANE Select); coding-DNA position 1062, C replaced by T.
Protein change: p.Arg354=; no amino-acid change (arginine 354 retained).
Molecular consequence: synonymous variant.
Genome position (GRCh38, 1-based): chr5:31,515,216, G>A on the plus strand (C>T on the coding strand, the complement: DROSHA is on the minus strand). VCF-style: chr5-31515216-G-A. GRCh37 (hg19) VCF-style: chr5-31515323-G-A.
Other names: c.951C>T, p.Arg317= (NM_001100412.2); c.1062C>T, p.Arg354= (NM_013235.5).
Identifiers: ClinVar variation 3047915 (VCV003047915.2), dbSNP rs779032953, ClinGen allele CA3217786.